The following is an entry in ClinVar:

ClinVar aggregate classification (germline): Uncertain significance (1 of 4 stars; one submission).

Submission:

GeneDx
Classification: Uncertain significance. Last evaluated: 2024-03-12. Review status: criteria provided, single submitter. Criteria: GeneDx Variant Classification Process June 2021. Collection method: clinical testing. Allele origin: germline. Affected: yes.
Comment: Not observed at significant frequency in large population cohorts (gnomAD); In silico analysis supports that this missense variant has a deleterious effect on protein structure/function; Has not been previously published as pathogenic or benign to our knowledge

NM_006265.3(RAD21):c.319G>A (p.Ala107Thr)

Gene: RAD21 (RAD21 cohesin complex component; minus strand). Cytogenetic location: 8q24.11.
Variant type: single nucleotide variant.
Coding change: c.319G>A on transcript NM_006265.3 (MANE Select); coding-DNA position 319, G replaced by A.
Protein change: p.Ala107Thr; replaces alanine 107 with threonine.
Molecular consequence: missense variant.
Genome position (GRCh38, 1-based): chr8:116,861,896, C>T on the plus strand (G>A on the coding strand, the complement: RAD21 is on the minus strand). VCF-style: chr8-116861896-C-T. GRCh37 (hg19) VCF-style: chr8-117874135-C-T.
Other names: short protein forms A107T.
Identifiers: ClinVar variation 3370784 (VCV003370784.1).